The following is an entry in ClinVar:

ClinVar aggregate classification (germline): Uncertain significance (1 of 4 stars; one submission).

Submission:

Clinical Genomics Laboratory, Laboratory for Precision Diagnostics, University of Washington
Classification: Uncertain significance. Last evaluated: 2021-05-10. Review status: criteria provided, single submitter. Criteria: ACMG/ClinGen CNV Guidelines, 2019. Collection method: clinical testing. Allele origin: unknown. Affected: yes. Observed: 1 variant allele.
Comment: The classification of this duplication is uncertain, per ACMGG interpretation standards. It affects protein-coding elements (Section 1, 0 points) but doesn’t overlap any known dosage sensitive genes or regions (Section 2, 0 points). Four protein-coding genes are affected by the duplication (Section 3, 0 points). A review of public databases (ClinVar, DECIPHER) and the medical literature shows one similar duplication, detected in a patient with short stature, macrocephaly, wide-set nipples, and a ventricular septal defect. No similar duplications appear in the Database of Genomic Variants (DGV) and gnomAD (Section 4O, 0 points). Parental testing has not been done (Section 5, 0 points).

GRCh38/hg38 2q24.1(chr2:157000310-157575768)x3

Genes: ACVR1C (activin A receptor type 1C; minus strand), CYTIP (cytohesin 1 interacting protein; minus strand), ERMN (ermin; minus strand), GALNT5 (polypeptide N-acetylgalactosaminyltransferase 5; plus strand), LOC110120675 (VISTA enhancer hs415; plus strand) and 17 more. Cytogenetic location: 2q24.1.
Variant type: copy number gain.
Change: copy number 3 (three copies instead of two) of chr2:157,000,310-157,575,768 (575.5 kb, GRCh38 coordinates, 1-based), cytogenetic band 2q24.1.
Identifiers: ClinVar variation 4755383 (VCV004755383.1).